The following is an entry in ClinVar:

NM_006618.5(KDM5B):c.1855C>T (p.Arg619Cys)

Gene: KDM5B (lysine demethylase 5B; minus strand). Cytogenetic location: 1q32.1.
Variant type: single nucleotide variant.
Coding change: c.1855C>T on transcript NM_006618.5 (MANE Select); coding-DNA position 1855, C replaced by T.
Protein change: p.Arg619Cys; replaces arginine 619 with cysteine.
Molecular consequence: missense variant.
Genome position (GRCh38, 1-based): chr1:202,749,106, G>A on the plus strand (C>T on the coding strand, the complement: KDM5B is on the minus strand). VCF-style: chr1-202749106-G-A. GRCh37 (hg19) VCF-style: chr1-202718234-G-A.
Other names: c.1963C>T, p.Arg655Cys (NM_001314042.2); c.1720C>T, p.Arg574Cys (NM_001347591.2); c.1840C>T, p.Arg614Cys (NM_001399817.1); short protein forms R574C, R619C, R655C, R614C.
Identifiers: ClinVar variation 2228236 (VCV002228236.2), dbSNP rs1397413851, ClinGen allele CA344267160.

ClinVar aggregate classification (germline): Uncertain significance (1 of 4 stars; one submission).

Conditions:
Inborn genetic diseases. Identifiers: MedGen C0950123, MeSH D030342.

Allele frequency attached by ClinVar (database versions not stated): gnomAD 0.00001; TOPMed 0.00001.
gnomAD v4.1: 16 of 1,613,634 alleles (0.00099%); highest among the groups gnomAD compares: East Asian, 0.0022%; no homozygotes.

Submission:

Ambry Genetics
Classification: Uncertain significance for Inborn genetic diseases. Last evaluated: 2022-02-26. Review status: criteria provided, single submitter. Criteria: Ambry Variant Classification Scheme 2023. Collection method: clinical testing. Allele origin: germline.
Comment: The c.1855C>T (p.R619C) alteration is located in exon 14 (coding exon 14) of the KDM5B gene. This alteration results from a C to T substitution at nucleotide position 1855, causing the arginine (R) at amino acid position 619 to be replaced by a cysteine (C). The in silico prediction for the p.R619C alteration is inconclusive. Based on insufficient or conflicting evidence, the clinical significance of this alteration remains unclear.